The following is an entry in ClinVar:

NM_000088.4(COL1A1):c.3754_3774del (p.Arg1252_Thr1258del)

Gene: COL1A1 (collagen type I alpha 1 chain; minus strand). Cytogenetic location: 17q21.33.
Variant type: Deletion.
Coding change: c.3754_3774del on transcript NM_000088.4 (MANE Select); coding-DNA positions 3754 to 3774, 21 bases deleted (CGCAAGAACCCCGCCCGCACC).
Protein change: p.Arg1252_Thr1258del.
Molecular consequence: inframe deletion.
Genome position (GRCh38, 1-based): chr17:50,186,680-50,186,700, GGTGCGGGCGGGGTTCTTGCG deleted on the plus strand (CGCAAGAACCCCGCCCGCACC on the coding strand, the reverse complement: COL1A1 is on the minus strand); deleting any 21 consecutive bases within chr17:50,186,680-50,186,701 gives the same sequence; the c. name uses the placement nearest the transcript's 3' end. VCF-style (leftmost placement, unchanged base first): chr17-50186679-AGGTGCGGGCGGGGTTCTTGCG-A. GRCh37 (hg19) VCF-style: chr17-48264040-AGGTGCGGGCGGGGTTCTTGCG-A.
Identifiers: ClinVar variation 4730210 (VCV004730210.1).

ClinVar aggregate classification (germline): Likely pathogenic (1 of 4 stars; one submission).

Conditions:
Osteogenesis imperfecta type I (OI1). Also called: Osteogenesis imperfecta type 1; Lobstein's Disease; OI, TYPE I; OSTEOGENESIS IMPERFECTA TARDA; OSTEOGENESIS IMPERFECTA WITH BLUE SCLERAE; Lobstein disease. Identifiers: Orphanet 216796, Orphanet 666, MedGen C0023931, MONDO:0008146, OMIM 166200. Disease mechanism: loss of function.

Submission:

Labcorp Genetics (formerly Invitae), Labcorp
Classification: Likely pathogenic for Osteogenesis imperfecta type I. Last evaluated: 2025-11-24. Review status: criteria provided, single submitter. Criteria: Invitae Variant Classification Sherloc (09022015). Collection method: clinical testing. Allele origin: germline.
Comment: This variant, c.3754_3774del, results in the deletion of 7 amino acid(s) of the COL1A1 protein (p.Arg1252_Thr1258del), but otherwise preserves the integrity of the reading frame. This variant is not present in population databases (gnomAD no frequency). This variant has been observed in individual(s) with clinical features of COL1A1-related conditions (internal data). In at least one individual the variant was observed to be de novo. Experimental studies and prediction algorithms are not available or were not evaluated, and the functional significance of this variant is currently unknown. In summary, the currently available evidence indicates that the variant is pathogenic, but additional data are needed to prove that conclusively. Therefore, this variant has been classified as Likely Pathogenic.